The following is an entry in ClinVar:

ClinVar aggregate classification (germline): Uncertain significance (1 of 4 stars; one submission).

gnomAD v4.1: 1 of 1,614,210 alleles (0.000062%); no homozygotes.

Submission:

Labcorp Genetics (formerly Invitae), Labcorp
Classification: Uncertain significance. Last evaluated: 2024-09-04. Review status: criteria provided, single submitter. Criteria: Invitae Variant Classification Sherloc (09022015). Collection method: clinical testing. Allele origin: germline.
Comment: This sequence change replaces valine, which is neutral and non-polar, with methionine, which is neutral and non-polar, at codon 851 of the ALPK1 protein (p.Val851Met). This variant is not present in population databases (gnomAD no frequency). This variant has not been reported in the literature in individuals affected with ALPK1-related conditions. Invitae Evidence Modeling of protein sequence and biophysical properties (such as structural, functional, and spatial information, amino acid conservation, physicochemical variation, residue mobility, and thermodynamic stability) indicates that this missense variant is not expected to disrupt ALPK1 protein function with a negative predictive value of 80%. In summary, the available evidence is currently insufficient to determine the role of this variant in disease. Therefore, it has been classified as a Variant of Uncertain Significance.

NM_025144.4(ALPK1):c.2551G>A (p.Val851Met)

Gene: ALPK1 (alpha kinase 1; plus strand). Cytogenetic location: 4q25.
Variant type: single nucleotide variant.
Coding change: c.2551G>A on transcript NM_025144.4 (MANE Select); coding-DNA position 2551, G replaced by A.
Protein change: p.Val851Met; replaces valine 851 with methionine.
Molecular consequence: missense variant.
Genome position (GRCh38, 1-based): chr4:112,432,098, G>A. VCF-style: chr4-112432098-G-A. GRCh37 (hg19) VCF-style: chr4-113353254-G-A.
Other names: c.2551G>A, p.Val851Met (NM_001102406.2); c.2317G>A, p.Val773Met (NM_001253884.2); short protein forms V773M, V851M.
Identifiers: ClinVar variation 3696696 (VCV003696696.1).